The following is an entry in ClinVar:

NM_022455.5(NSD1):c.7939_7940del (p.Gln2647fs)

Gene: NSD1 (nuclear receptor binding SET domain protein 1; plus strand). Cytogenetic location: 5q35.3.
Variant type: Microsatellite.
Coding change: c.7939_7940del on transcript NM_022455.5 (MANE Select); coding-DNA positions 7939 to 7940, 2 bases deleted (CA; older notation c.7939_7940delCA).
Protein change: p.Gln2647fs; shifts the reading frame from glutamine 2647.
Molecular consequence: frameshift variant.
Genome position (GRCh38, 1-based): chr5:177,295,307-177,295,308, CA deleted; deleting any 2 consecutive bases within chr5:177,295,305-177,295,308 gives the same sequence; the c. name uses the placement nearest the transcript's 3' end. VCF-style (leftmost placement, unchanged base first): chr5-177295304-GCA-G. GRCh37 (hg19) VCF-style: chr5-176722305-GCA-G.
Other names: c.7939_7940del (NM_022455.4); c.7064_7065CA[1], p.Gln2356Valfs (NM_001365684.2, NM_001409308.1, NM_172349.5); c.7937_7938CA[1], p.Gln2647Valfs (NM_001409301.1, NM_001409302.1, NM_001409303.1); c.7517_7518CA[1], p.Gln2507Valfs (NM_001409304.1); c.7184_7185CA[1], p.Gln2396Valfs (NM_001409305.1); c.7175_7176CA[1], p.Gln2393Valfs (NM_001409306.1, NM_001409307.1); c.6815_6816CA[1], p.Gln2273Valfs (NM_001409309.1); short protein forms Q2647fs, Q2378fs.
Identifiers: ClinVar variation 159445 (VCV000159445.20), dbSNP rs587784219, ClinGen allele CA295126.

ClinVar aggregate classification (germline): Pathogenic/Likely pathogenic. Review status: criteria provided, multiple submitters, no conflicts (2 of 4 stars). 2 submissions from 2 submitters: Pathogenic (1); Likely pathogenic (1). Last evaluated 2025-05-01.

Conditions:
Sotos syndrome (SOTOS). Also called: CHROMOSOME 5q35 DELETION SYNDROME; CEREBRAL GIGANTISM; Sotos' syndrome; Distinctive facial appearance, overgrowth in childhood, and learning disabilities or delayed development; SOTOS SYNDROME 1. Identifiers: Orphanet 821, MedGen C0175695, MONDO:0019349, OMIM 117550.

Submissions (2):

CeGaT Center for Human Genetics Tuebingen
Classification: Likely pathogenic. Last evaluated: 2025-05-01. Review status: criteria provided, single submitter. Criteria: CeGaT Center For Human Genetics Tuebingen Variant Classification Criteria Version 2. Collection method: clinical testing. Allele origin: germline. Affected: yes. Observed: 2 variant alleles.
Comment: NSD1: PVS1:Strong, PM2

Genetic Services Laboratory, University of Chicago
Classification: Pathogenic for Sotos syndrome 1. Last evaluated: 2013-02-08. Review status: criteria provided, single submitter. Criteria: ACMG Guidelines, 2007. Collection method: clinical testing. Allele origin: germline. Inheritance: Autosomal dominant inheritance. Affected: yes.